The following is an entry in ClinVar:

ClinVar aggregate classification (germline): Conflicting classifications of pathogenicity. Review status: criteria provided, conflicting classifications (1 of 4 stars). 3 submissions from 3 submitters: Uncertain significance (2); Benign (1). Last evaluated 2025-12-24.

Allele frequency attached by ClinVar (database versions not stated): gnomAD exomes 0.00012; gnomAD 0.00137; 1000 Genomes Project 30x 0.00234; ExAC 0.00053; 1000 Genomes Project 0.00240; ESP Exome Variant Server 0.00167; TOPMed 0.00178.
gnomAD v4.1: 390 of 1,614,108 alleles (0.024%); highest among the groups gnomAD compares: African/African-American, 0.48%; no homozygotes.

Submissions (3):

Labcorp Genetics (formerly Invitae), Labcorp
Classification: Benign. Last evaluated: 2025-12-24. Review status: criteria provided, single submitter. Criteria: Invitae Variant Classification Sherloc (09022015). Collection method: clinical testing. Allele origin: germline.

GeneDx
Classification: Uncertain significance. Last evaluated: 2024-09-18. Review status: criteria provided, single submitter. Criteria: GeneDx Variant Classification Process June 2021. Collection method: clinical testing. Allele origin: germline. Affected: yes.
Comment: In silico analysis indicates that this missense variant does not alter protein structure/function; Has not been previously published as pathogenic or benign to our knowledge

Mayo Clinic Laboratories, Mayo Clinic
Classification: Uncertain significance. Last evaluated: 2023-12-27. Review status: criteria provided, single submitter. Criteria: ACMG Guidelines, 2015. Collection method: clinical testing. Allele origin: germline. Observed: 1 variant allele.
Comment: BP4

NM_003126.4(SPTA1):c.2296G>A (p.Ala766Thr)

Gene: SPTA1 (spectrin alpha, erythrocytic 1; minus strand). Cytogenetic location: 1q23.1.
Variant type: single nucleotide variant.
Coding change: c.2296G>A on transcript NM_003126.4 (MANE Select); coding-DNA position 2296, G replaced by A.
Protein change: p.Ala766Thr; replaces alanine 766 with threonine.
Molecular consequence: missense variant.
Genome position (GRCh38, 1-based): chr1:158,662,870, C>T on the plus strand (G>A on the coding strand, the complement: SPTA1 is on the minus strand). VCF-style: chr1-158662870-C-T. GRCh37 (hg19) VCF-style: chr1-158632660-C-T.
Other names: p.Ala766Thr; c.2296G>A (NM_003126.2); short protein forms A766T.
Identifiers: ClinVar variation 2737896 (VCV002737896.5), dbSNP rs11265047, ClinGen allele CA1183443.